The following is an entry in ClinVar:

ClinVar aggregate classification (germline): Uncertain significance (1 of 4 stars; one submission).

Conditions:
Tuberous sclerosis 2 (TSC2). Identifiers: Orphanet 805, MedGen C1860707, MONDO:0013199, OMIM 613254.

Submission:

Labcorp Genetics (formerly Invitae), Labcorp
Classification: Uncertain significance for Tuberous sclerosis 2. Last evaluated: 2023-12-21. Review status: criteria provided, single submitter. Criteria: Invitae Variant Classification Sherloc (09022015). Collection method: clinical testing. Allele origin: germline.
Comment: This sequence change replaces glycine, which is neutral and non-polar, with alanine, which is neutral and non-polar, at codon 1601 of the TSC2 protein (p.Gly1601Ala). This variant is not present in population databases (gnomAD no frequency). This variant has not been reported in the literature in individuals affected with TSC2-related conditions. Advanced modeling of protein sequence and biophysical properties (such as structural, functional, and spatial information, amino acid conservation, physicochemical variation, residue mobility, and thermodynamic stability) has been performed at Invitae for this missense variant, however the output from this modeling did not meet the statistical confidence thresholds required to predict the impact of this variant on TSC2 protein function. In summary, the available evidence is currently insufficient to determine the role of this variant in disease. Therefore, it has been classified as a Variant of Uncertain Significance.

NM_000548.5(TSC2):c.4802G>C (p.Gly1601Ala)

Gene: TSC2 (TSC complex subunit 2; plus strand). Cytogenetic location: 16p13.3.
Variant type: single nucleotide variant.
Coding change: c.4802G>C on transcript NM_000548.5 (MANE Select); coding-DNA position 4802, G replaced by C.
Protein change: p.Gly1601Ala; replaces glycine 1601 with alanine.
Molecular consequence: missense variant. On other transcripts: non-coding transcript variant (5).
Genome position (GRCh38, 1-based): chr16:2,086,332, G>C. VCF-style: chr16-2086332-G-C. GRCh37 (hg19) VCF-style: chr16-2136333-G-C.
Other names: c.4601G>C, p.Gly1534Ala (NM_001077183.3); c.4733G>C, p.Gly1578Ala (NM_001114382.3); c.4493G>C, p.Gly1498Ala (NM_001318827.2); c.4457G>C, p.Gly1486Ala (NM_001318829.2); c.4070G>C, p.Gly1357Ala (NM_001318831.2); c.4634G>C, p.Gly1545Ala (NM_001318832.2); c.4604G>C, p.Gly1535Ala (NM_001363528.2); c.4670G>C, p.Gly1557Ala (NM_001370404.1); and 26 more; short protein forms G1335A, G1378A, G1528A, G1541A, G1558A, G1565A, G1000A, G1086A.
Identifiers: ClinVar variation 3021626 (VCV003021626.3), dbSNP rs2151574981, ClinGen allele CA394308054.